The following is an entry in ClinVar:

NM_000141.5(FGFR2):c.246C>A (p.Asn82Lys)

Gene: FGFR2 (fibroblast growth factor receptor 2; minus strand). Cytogenetic location: 10q26.13.
Variant type: single nucleotide variant.
Coding change: c.246C>A on transcript NM_000141.5 (MANE Select); coding-DNA position 246, C replaced by A.
Protein change: p.Asn82Lys; replaces asparagine 82 with lysine.
Molecular consequence: missense variant. On other transcripts: intron variant (9).
Genome position (GRCh38, 1-based): chr10:121,565,568, G>T on the plus strand (C>A on the coding strand, the complement: FGFR2 is on the minus strand). VCF-style: chr10-121565568-G-T. GRCh37 (hg19) VCF-style: chr10-123325082-G-T.
Other names: c.246C>A, p.Asn82Lys (NM_001441087.1, NM_022970.4, NM_001144913.1 and 3 more transcripts); c.110-14109C>A (NM_001144918.2, NM_001441091.1, NM_001441090.1 and 1 more transcripts); c.110-989C>A (NM_001441089.1, NM_023029.3, NM_001441088.1 and 2 more transcripts); short protein forms N82K.
Identifiers: ClinVar variation 4685043 (VCV004685043.1).
Genomic context (GRCh38, chr10:121,565,568, plus strand): 5'-GGAGTCTCTAGGCGTGGCGCCCTTTATCTGCAAGTACTCCCCAATAAGCACTGTCCTATT[G>T]TTGGGCCCCAAGTGCACCCCATCCTTAGTCCAACTGATCACGGCGGCATCTTTCAACAGG-3'
Protein context (NP_000132.3, residues 72-92): WTKDGVHLGP[Asn82Lys]NRTVLIGEYL

ClinVar aggregate classification (germline): Uncertain significance (1 of 4 stars; one submission).

gnomAD v4.1: 7 of 1,614,082 alleles (0.00043%); highest among the groups gnomAD compares: African/African-American, 0.0013%; no homozygotes.

Submission:

GeneDx
Classification: Uncertain significance. Last evaluated: 2025-07-10. Review status: criteria provided, single submitter. Criteria: GeneDx Variant Classification Process June 2021. Collection method: clinical testing. Allele origin: germline. Affected: yes.
Comment: Not observed at significant frequency in large population cohorts (gnomAD); In silico analysis supports that this missense variant has a deleterious effect on protein structure/function; Has not been previously published as pathogenic or benign to our knowledge